The following is an entry in ClinVar:

ClinVar aggregate classification (germline): Uncertain significance (1 of 4 stars; one submission).

gnomAD v4.1: 9 of 1,613,518 alleles (0.00056%); highest among the groups gnomAD compares: African/African-American, 0.0013%; no homozygotes.

Submission:

Labcorp Genetics (formerly Invitae), Labcorp
Classification: Uncertain significance. Last evaluated: 2025-09-24. Review status: criteria provided, single submitter. Criteria: Invitae Variant Classification Sherloc (09022015). Collection method: clinical testing. Allele origin: germline.
Comment: This sequence change replaces alanine, which is neutral and non-polar, with valine, which is neutral and non-polar, at codon 341 of the DSG1 protein (p.Ala341Val). This variant is not present in population databases (gnomAD no frequency). This variant has not been reported in the literature in individuals affected with DSG1-related conditions. Invitae Evidence Modeling of protein sequence and biophysical properties (such as structural, functional, and spatial information, amino acid conservation, physicochemical variation, residue mobility, and thermodynamic stability) indicates that this missense variant is not expected to disrupt DSG1 protein function with a negative predictive value of 80%. In summary, the available evidence is currently insufficient to determine the role of this variant in disease. Therefore, it has been classified as a Variant of Uncertain Significance.

NM_001942.4(DSG1):c.1022C>T (p.Ala341Val)

Gene: DSG1 (desmoglein 1; plus strand). Cytogenetic location: 18q12.1.
Variant type: single nucleotide variant.
Coding change: c.1022C>T on transcript NM_001942.4 (MANE Select); coding-DNA position 1022, C replaced by T.
Protein change: p.Ala341Val; replaces alanine 341 with valine.
Molecular consequence: missense variant.
Genome position (GRCh38, 1-based): chr18:31,336,370, C>T. VCF-style: chr18-31336370-C-T. GRCh37 (hg19) VCF-style: chr18-28916333-C-T.
Other names: short protein forms A341V.
Identifiers: ClinVar variation 4753582 (VCV004753582.1).
Genomic context (GRCh38, chr18:31,336,370, plus strand): 5'-TTTTATTTTCTTATAATGAAACTATTTTACTCTGTATTTTCTAGCCCTTAGATTATGAAG[C>T]TATGCAGAGTCTGCAACTCAGTATTGGTGTCAGAAATAAAGCTGAATTTCATCATTCAAT-3'
Protein context (NP_001933.2, residues 331-351): LKVVKPLDYE[Ala341Val]MQSLQLSIGV